The following is an entry in ClinVar:

NC_000008.10:g.(?_145011127)_(145011430_?)dup

Gene: PLEC (plectin; minus strand). Cytogenetic location: 8q24.3.
Variant type: Duplication.
Identifiers: ClinVar variation 3245521 (VCV003245521.1).

ClinVar aggregate classification (germline): Uncertain significance (1 of 4 stars; one submission).

Conditions:
Epidermolysis bullosa simplex, Ogna type (EBS5A). Also called: Pidermolysis bullosa simplex 5A, Ogna type; EPIDERMOLYSIS BULLOSA SIMPLEX 5A, OGNA TYPE. Identifiers: Orphanet 79401, MedGen C0432317, MONDO:0007555, OMIM 131950.
Epidermolysis bullosa simplex with nail dystrophy (EBS5D). Identifiers: MedGen C4225309, MONDO:0014661, OMIM 616487.
Epidermolysis bullosa simplex 5B, with muscular dystrophy (EBS5B). Also called: Epidermolysis bullosa simplex with muscular dystrophy; EPIDERMOLYSIS BULLOSA SIMPLEX AND LIMB-GIRDLE MUSCULAR DYSTROPHY. Identifiers: Orphanet 257, MedGen C2931072, MONDO:0009181, OMIM 226670.
Epidermolysis bullosa simplex 5C, with pyloric atresia (EBS5C). Also called: PLEC1-Related Epidermolysis Bullosa with Pyloric Atresia; Epidermolysis bullosa simplex with pyloric atresia; PLEC-Related Epidermolysis Bullosa with Pyloric Atresia. Identifiers: Orphanet 158684, MedGen C2677349, MONDO:0012807, OMIM 612138.
Autosomal recessive limb-girdle muscular dystrophy type 2Q (LGMDR17). Also called: MUSCULAR DYSTROPHY, LIMB-GIRDLE, AUTOSOMAL RECESSIVE 17. Identifiers: Orphanet 254361, MedGen C3150989, MONDO:0013390, OMIM 613723.

Submission:

Labcorp Genetics (formerly Invitae), Labcorp
Classification: Uncertain significance for Autosomal recessive limb-girdle muscular dystrophy type 2Q; Epidermolysis bullosa simplex, Ogna type; Epidermolysis bullosa simplex with nail dystrophy; Epidermolysis bullosa simplex 5C, with pyloric atresia; Epidermolysis bullosa simplex 5B, with muscular dystrophy. Last evaluated: 2022-12-27. Review status: criteria provided, single submitter. Criteria: Invitae Variant Classification Sherloc (09022015). Collection method: clinical testing. Allele origin: unknown.
Comment: In summary, the available evidence is currently insufficient to determine the role of this variant in disease. Therefore, it has been classified as a Variant of Uncertain Significance. Experimental studies and prediction algorithms are not available or were not evaluated, and the functional significance of this variant is currently unknown. This variant has not been reported in the literature in individuals affected with PLEC-related conditions. This variant results in a copy number gain of the genomic region encompassing exon(s) 5-6 of the PLEC gene. While the exact position of this variant cannot be determined from the data, sub-genic copy number gains are generally in tandem (PMID: 25640679). This variant is predicted to be in-frame, and likely preserves the integrity of the reading frame.

Literature cited by the submitters: PubMed 25640679.